The following is an entry in ClinVar:

NM_152641.4(ARID2):c.3221G>T (p.Gly1074Val)

Gene: ARID2 (AT-rich interaction domain 2; plus strand). Cytogenetic location: 12q12.
Variant type: single nucleotide variant.
Coding change: c.3221G>T on transcript NM_152641.4 (MANE Select); coding-DNA position 3221, G replaced by T.
Protein change: p.Gly1074Val; replaces glycine 1074 with valine.
Molecular consequence: missense variant.
Genome position (GRCh38, 1-based): chr12:45,851,344, G>T. VCF-style: chr12-45851344-G-T. GRCh37 (hg19) VCF-style: chr12-46245127-G-T.
Other names: c.3221G>T, p.Gly1074Val (NM_001347839.2); short protein forms G1074V.
Identifiers: ClinVar variation 1309153 (VCV001309153.2), dbSNP rs2138170222, ClinGen allele CA384483594.
Genomic context (GRCh38, chr12:45,851,344, plus strand): 5'-CTGGTGAGTCGAGTCTGATTAAACAGCTTCTGCTTCCGAAACGTGGTCCTTCAACACCAG[G>T]TGGTAAGCTTATTCTCCCAGCTCCACAGATTCCTCCCCCTAATAATGCAAGAGCTCCTAG-3'
Protein context (NP_689854.2, residues 1064-1084): LLPKRGPSTP[Gly1074Val]GKLILPAPQI

ClinVar aggregate classification (germline): Uncertain significance (1 of 4 stars; one submission).

Submission:

GeneDx
Classification: Uncertain significance. Last evaluated: 2019-10-09. Review status: criteria provided, single submitter. Criteria: GeneDx Variant Classification Process June 2021. Collection method: clinical testing. Allele origin: germline. Affected: yes.
Comment: Not observed in large population cohorts (Lek et al., 2016); In silico analysis, which includes protein predictors and evolutionary conservation, supports a deleterious effect; Has not been previously published as pathogenic or benign to our knowledge